The following is an entry in ClinVar:

ClinVar aggregate classification (germline): Uncertain significance. Review status: criteria provided, multiple submitters, no conflicts (2 of 4 stars). 4 submissions from 4 submitters: Uncertain significance (4). Last evaluated 2025-08-18.

Conditions:
Hereditary cancer-predisposing syndrome. Also called: Tumor predisposition; Hereditary Cancer Syndrome; Neoplastic Syndromes, Hereditary; Hereditary neoplastic syndrome. Identifiers: Orphanet 140162, MedGen C0027672, MeSH D009386, MONDO:0015356.
Cardiovascular phenotype. Identifiers: MedGen CN230736.
LZTR1-related disorder. Also called: LZTR1-related disorders; LZTR1-related condition.
LZTR1-related schwannomatosis. Also called: Schwannomatosis-2, susceptibility to; Schwannomatosis 2. Identifiers: Orphanet 93921, MedGen C3810283, MONDO:0014299, OMIM 615670.

Allele frequency attached by ClinVar (database versions not stated): gnomAD exomes below 0.00001.
gnomAD v4.1: 1 of 1,551,648 alleles (0.000064%); highest among the groups gnomAD compares: East Asian, 0.0024%; no homozygotes.

Submissions (4):

Ambry Genetics
Classification: Uncertain significance for Cardiovascular phenotype; Hereditary cancer-predisposing syndrome. Last evaluated: 2025-08-18. Review status: criteria provided, single submitter. Criteria: Ambry Variant Classification Scheme 2023. Collection method: clinical testing. Allele origin: germline.
Comment: The p.W321R variant (also known as c.961T>C), located in coding exon 9 of the LZTR1 gene, results from a T to C substitution at nucleotide position 961. The tryptophan at codon 321 is replaced by arginine, an amino acid with dissimilar properties. This amino acid position is highly conserved in available vertebrate species. In addition, this alteration is predicted to be deleterious by in silico analysis. Based on the available evidence, the clinical significance of this variant remains unclear.

PreventionGenetics, part of Exact Sciences
Classification: Uncertain significance for LZTR1-related condition. Last evaluated: 2025-02-21. Review status: criteria provided, single submitter. Criteria: ACMG Guidelines, 2015. Collection method: clinical testing. Allele origin: germline.
Comment: The LZTR1 c.961T>C variant is predicted to result in the amino acid substitution p.Trp321Arg. To our knowledge, this variant has not been reported in the literature or in a large population database (gnomAD), indicating this variant is rare. At this time, the clinical significance of this variant is uncertain due to the absence of conclusive functional and genetic evidence.

Labcorp Genetics (formerly Invitae), Labcorp
Classification: Uncertain significance. Last evaluated: 2023-06-02. Review status: criteria provided, single submitter. Criteria: Invitae Variant Classification Sherloc (09022015). Collection method: clinical testing. Allele origin: germline.
Comment: This variant has not been reported in the literature in individuals affected with LZTR1-related conditions. Advanced modeling of protein sequence and biophysical properties (such as structural, functional, and spatial information, amino acid conservation, physicochemical variation, residue mobility, and thermodynamic stability) performed at Invitae indicates that this missense variant is not expected to disrupt LZTR1 protein function. In summary, the available evidence is currently insufficient to determine the role of this variant in disease. Therefore, it has been classified as a Variant of Uncertain Significance. This sequence change replaces tryptophan, which is neutral and slightly polar, with arginine, which is basic and polar, at codon 321 of the LZTR1 protein (p.Trp321Arg). This variant is not present in population databases (gnomAD no frequency).

Institute for Genomic Medicine (IGM) Clinical Laboratory, Nationwide Children's Hospital
Classification: Uncertain significance for LZTR1-related schwannomatosis. Last evaluated: 2022-05-30. Review status: criteria provided, single submitter. Criteria: ACMG Guidelines, 2015. Collection method: clinical testing. Allele origin: germline.
Comment: This variant is absent from or present at an exceedingly low frequency in gnomAD, a large-scale control population database (ACMG/AMP: PM2). This variant is predicted to alter protein function or structure, or disrupt splicing by multiple in silico tools (ACMG/AMP: PP3).

NM_006767.4(LZTR1):c.961T>C (p.Trp321Arg)

Gene: LZTR1 (leucine zipper like post translational regulator 1; plus strand). Cytogenetic location: 22q11.21.
Variant type: single nucleotide variant.
Coding change: c.961T>C on transcript NM_006767.4 (MANE Select); coding-DNA position 961, T replaced by C.
Protein change: p.Trp321Arg; replaces tryptophan 321 with arginine.
Molecular consequence: missense variant.
Genome position (GRCh38, 1-based): chr22:20,991,797, T>C. VCF-style: chr22-20991797-T-C. GRCh37 (hg19) VCF-style: chr22-21346086-T-C.
Other names: c.961T>C (NM_006767.3); short protein forms W321R.
Identifiers: ClinVar variation 2905463 (VCV002905463.7), dbSNP rs1363014013, ClinGen allele CA410781564.